The following is an entry in ClinVar:

ClinVar aggregate classification (germline): Uncertain significance. Review status: criteria provided, multiple submitters, no conflicts (2 of 4 stars). 2 submissions from 2 submitters: Uncertain significance (2). Last evaluated 2022-07-05.

Conditions:
NIK deficiency. Also called: Primary immunodeficiency with multifaceted aberrant lymphoid immunity. Identifiers: Orphanet 447731, MedGen C5680065, MONDO:0018642.

Allele frequency attached by ClinVar (database versions not stated): gnomAD exomes 0.00002 and 0.00006; ExAC 0.00003; TOPMed 0.00005.
gnomAD v4.1: 46 of 1,613,926 alleles (0.0029%); highest among the groups gnomAD compares: Admixed American, 0.042%; no homozygotes.

Submissions (2):

Labcorp Genetics (formerly Invitae), Labcorp
Classification: Uncertain significance for NIK deficiency. Last evaluated: 2022-07-05. Review status: criteria provided, single submitter. Criteria: Invitae Variant Classification Sherloc (09022015). Collection method: clinical testing. Allele origin: germline.
Comment: This sequence change replaces arginine, which is basic and polar, with glutamine, which is neutral and polar, at codon 218 of the MAP3K14 protein (p.Arg218Gln). This variant is present in population databases (rs199558586, gnomAD 0.03%). This variant has not been reported in the literature in individuals affected with MAP3K14-related conditions. ClinVar contains an entry for this variant (Variation ID: 1037446). Experimental studies and prediction algorithms are not available or were not evaluated, and the functional significance of this variant is currently unknown. In summary, the available evidence is currently insufficient to determine the role of this variant in disease. Therefore, it has been classified as a Variant of Uncertain Significance.

Breakthrough Genomics
Classification: Uncertain significance. Review status: criteria provided, single submitter. Criteria: ACMG Guidelines, 2015. Collection method: not provided. Allele origin: germline. Inheritance: Unknown mechanism. Affected: yes.

NM_003954.5(MAP3K14):c.653G>A (p.Arg218Gln)

Gene: MAP3K14 (mitogen-activated protein kinase kinase kinase 14; minus strand). Cytogenetic location: 17q21.31.
Variant type: single nucleotide variant.
Coding change: c.653G>A on transcript NM_003954.5 (MANE Select); coding-DNA position 653, G replaced by A.
Protein change: p.Arg218Gln; replaces arginine 218 with glutamine.
Molecular consequence: missense variant.
Genome position (GRCh38, 1-based): chr17:45,286,930, C>T on the plus strand (G>A on the coding strand, the complement: MAP3K14 is on the minus strand). VCF-style: chr17-45286930-C-T. GRCh37 (hg19) VCF-style: chr17-43364296-C-T.
Other names: short protein forms R218Q.
Identifiers: ClinVar variation 1037446 (VCV001037446.5), dbSNP rs199558586, ClinGen allele CA8614298.
Genomic context (GRCh38, chr17:45,286,930, plus strand): 5'-TGGTTCAGACATTGCAAGGGGCTGATCAGTTTGTGGAGTTCTGATCGAGGCAGAGCCGGC[C>T]GTAGGCCCTCGCCAAGCTGCTTAAAACAGAGTTGCCCAAGGCCTGGTTCCTTCAGAGGCT-3'
Protein context (NP_003945.2, residues 208-228): LCFKQLGEGL[Arg218Gln]PALPRSELHK